The following is an entry in ClinVar:

NM_000268.4(NF2):c.620A>G (p.Tyr207Cys)

Gene: NF2 (NF2, moesin-ezrin-radixin like (MERLIN) tumor suppressor; plus strand). Cytogenetic location: 22q12.2.
Variant type: single nucleotide variant.
Coding change: c.620A>G on transcript NM_000268.4 (MANE Select); coding-DNA position 620, A replaced by G.
Protein change: p.Tyr207Cys; replaces tyrosine 207 with cysteine.
Molecular consequence: missense variant. On other transcripts: non-coding transcript variant (1), intron variant (1).
Genome position (GRCh38, 1-based): chr22:29,658,209, A>G. VCF-style: chr22-29658209-A-G. GRCh37 (hg19) VCF-style: chr22-30054198-A-G.
Other names: c.620A>G, p.Tyr207Cys (NM_001407057.1, NM_001407059.1, NM_001407060.1 and 4 more transcripts); c.497A>G, p.Tyr166Cys (NM_001407058.1, NM_001407062.1, NM_001407054.1 and 1 more transcripts); c.371A>G, p.Tyr124Cys (NM_001407063.1, NM_001407064.1, NM_181830.3 and 1 more transcripts); c.86A>G, p.Tyr29Cys (NM_001407065.1); c.389A>G, p.Tyr130Cys (NM_001407067.1); c.506A>G, p.Tyr169Cys (NM_001407053.1, NM_001407056.1); c.494A>G, p.Tyr165Cys (NM_001407055.1, NM_181828.3); c.447+15924A>G (NM_181833.3); short protein forms Y29C, Y165C, Y207C, Y124C, Y130C, Y166C, Y169C.
Identifiers: ClinVar variation 1752204 (VCV001752204.5), dbSNP rs2146989555, ClinGen allele CA411143010.

ClinVar aggregate classification (germline): Uncertain significance. Review status: criteria provided, multiple submitters, no conflicts (2 of 4 stars). 2 submissions from 2 submitters: Uncertain significance (2). Last evaluated 2024-08-12.

Conditions:
Hereditary cancer-predisposing syndrome. Also called: Hereditary Cancer Syndrome; Hereditary neoplastic syndrome; Neoplastic Syndromes, Hereditary; Tumor predisposition. Identifiers: Orphanet 140162, MedGen C0027672, MeSH D009386, MONDO:0015356.
Neurofibromatosis, type 2 (SWNV). Also called: SCHWANNOMATOSIS, VESTIBULAR; NF2-Related Schwannomatosis; BILATERAL ACOUSTIC NEUROFIBROMATOSIS. Identifiers: Orphanet 637, MedGen C0027832, MONDO:0007039, OMIM 101000. Disease mechanism: loss of function.

Allele frequency attached by ClinVar (database versions not stated): gnomAD exomes below 0.00001.
gnomAD v4.1: 1 of 1,614,190 alleles (0.000062%); highest among the groups gnomAD compares: Non-Finnish European, 0.000085%; no homozygotes.

Submissions (2):

Labcorp Genetics (formerly Invitae), Labcorp
Classification: Uncertain significance for Neurofibromatosis, type 2. Last evaluated: 2024-08-12. Review status: criteria provided, single submitter. Criteria: Invitae Variant Classification Sherloc (09022015). Collection method: clinical testing. Allele origin: germline.
Comment: This sequence change replaces tyrosine, which is neutral and polar, with cysteine, which is neutral and slightly polar, at codon 207 of the NF2 protein (p.Tyr207Cys). This variant is not present in population databases (gnomAD no frequency). This variant has not been reported in the literature in individuals affected with NF2-related conditions. ClinVar contains an entry for this variant (Variation ID: 1752204). Advanced modeling of protein sequence and biophysical properties (such as structural, functional, and spatial information, amino acid conservation, physicochemical variation, residue mobility, and thermodynamic stability) performed at Invitae indicates that this missense variant is expected to disrupt NF2 protein function with a positive predictive value of 80%. In summary, the available evidence is currently insufficient to determine the role of this variant in disease. Therefore, it has been classified as a Variant of Uncertain Significance.

Ambry Genetics
Classification: Uncertain significance for Hereditary cancer-predisposing syndrome. Last evaluated: 2022-04-04. Review status: criteria provided, single submitter. Criteria: Ambry Variant Classification Scheme 2023. Collection method: clinical testing. Allele origin: germline.
Comment: The p.Y207C variant (also known as c.620A>G), located in coding exon 7 of the NF2 gene, results from an A to G substitution at nucleotide position 620. The tyrosine at codon 207 is replaced by cysteine, an amino acid with highly dissimilar properties. This amino acid position is conserved. In addition, this alteration is predicted to be deleterious by in silico analysis. Since supporting evidence is limited at this time, the clinical significance of this alteration remains unclear.